The following is an entry in ClinVar:

NM_020366.4(RPGRIP1):c.163G>A (p.Glu55Lys)

Gene: RPGRIP1 (RPGR interacting protein 1; plus strand). Cytogenetic location: 14q11.2.
Variant type: single nucleotide variant.
Coding change: c.163G>A on transcript NM_020366.4 (MANE Select); coding-DNA position 163, G replaced by A.
Protein change: p.Glu55Lys; replaces glutamic acid 55 with lysine.
Molecular consequence: missense variant.
Genome position (GRCh38, 1-based): chr14:21,294,754, G>A. VCF-style: chr14-21294754-G-A. GRCh37 (hg19) VCF-style: chr14-21762913-G-A.
Other names: short protein forms E55K.
Identifiers: ClinVar variation 847799 (VCV000847799.8), dbSNP rs530008238, ClinGen allele CA7088585.
Genomic context (GRCh38, chr14:21,294,754, plus strand): 5'-CAACCACCCTTGAGCAGGATGAACCGGGAGGAATTGGAGGACAGTTTCTTTCGACTTCGC[G>A]AAGATCACATGTTGGTGAAGGAGCTTTCTTGGAAGCAACAGGATGAGATCAAAAGGTACT-3'
Protein context (NP_065099.3, residues 45-65): ELEDSFFRLR[Glu55Lys]DHMLVKELSW

ClinVar aggregate classification (germline): Uncertain significance. Review status: criteria provided, multiple submitters, no conflicts (2 of 4 stars). 2 submissions from 2 submitters: Uncertain significance (2). Last evaluated 2024-09-09.

Conditions:
Leber congenital amaurosis 6 (LCA6). Identifiers: Orphanet 65, MedGen C1854260, MONDO:0013446, OMIM 613826.
Cone-rod dystrophy 13 (CORD13). Identifiers: Orphanet 1872, MedGen C2750720, MONDO:0011987, OMIM 608194.

Allele frequency attached by ClinVar (database versions not stated): gnomAD 0.00002 and 0.00003; TOPMed 0.00003; gnomAD exomes 0.00004 and 0.00005; ExAC 0.00008; 1000 Genomes Project 30x 0.00016; 1000 Genomes Project 0.00020.
gnomAD v4.1: 77 of 1,608,928 alleles (0.0048%); highest among the groups gnomAD compares: Non-Finnish European, 0.0063%; no homozygotes.

Submissions (2):

Blueprint Genetics
Classification: Uncertain significance. Last evaluated: 2024-09-09. Review status: criteria provided, single submitter. Criteria: ACMG Guidelines, 2015. Collection method: clinical testing. Allele origin: germline.

Labcorp Genetics (formerly Invitae), Labcorp
Classification: Uncertain significance for Leber congenital amaurosis 6; Cone-rod dystrophy 13. Last evaluated: 2022-06-20. Review status: criteria provided, single submitter. Criteria: Invitae Variant Classification Sherloc (09022015). Collection method: clinical testing. Allele origin: germline.
Comment: This sequence change replaces glutamic acid, which is acidic and polar, with lysine, which is basic and polar, at codon 55 of the RPGRIP1 protein (p.Glu55Lys). This variant is present in population databases (rs530008238, gnomAD 0.005%). This variant has not been reported in the literature in individuals affected with RPGRIP1-related conditions. ClinVar contains an entry for this variant (Variation ID: 847799). Algorithms developed to predict the effect of missense changes on protein structure and function (SIFT, PolyPhen-2, Align-GVGD) all suggest that this variant is likely to be tolerated. In summary, the available evidence is currently insufficient to determine the role of this variant in disease. Therefore, it has been classified as a Variant of Uncertain Significance.